The following is an entry in ClinVar:

ClinVar aggregate classification (germline): Uncertain significance (1 of 4 stars; one submission).

Submission:

Labcorp Genetics (formerly Invitae), Labcorp
Classification: Uncertain significance. Last evaluated: 2023-12-20. Review status: criteria provided, single submitter. Criteria: Invitae Variant Classification Sherloc (09022015). Collection method: clinical testing. Allele origin: germline.
Comment: This sequence change replaces threonine, which is neutral and polar, with serine, which is neutral and polar, at codon 1104 of the POLE protein (p.Thr1104Ser). This variant is not present in population databases (gnomAD no frequency). This variant has not been reported in the literature in individuals affected with POLE-related conditions. Advanced modeling of protein sequence and biophysical properties (such as structural, functional, and spatial information, amino acid conservation, physicochemical variation, residue mobility, and thermodynamic stability) performed at Invitae indicates that this missense variant is not expected to disrupt POLE protein function with a negative predictive value of 80%. In summary, the available evidence is currently insufficient to determine the role of this variant in disease. Therefore, it has been classified as a Variant of Uncertain Significance.

NM_006231.4(POLE):c.3310A>T (p.Thr1104Ser)

Gene: POLE (DNA polymerase epsilon, catalytic subunit; minus strand). Cytogenetic location: 12q24.33.
Variant type: single nucleotide variant.
Coding change: c.3310A>T on transcript NM_006231.4 (MANE Select); coding-DNA position 3310, A replaced by T.
Protein change: p.Thr1104Ser; replaces threonine 1104 with serine.
Molecular consequence: missense variant.
Genome position (GRCh38, 1-based): chr12:132,657,936, T>A on the plus strand (A>T on the coding strand, the complement: POLE is on the minus strand). VCF-style: chr12-132657936-T-A. GRCh37 (hg19) VCF-style: chr12-133234522-T-A.
Other names: short protein forms T1104S.
Identifiers: ClinVar variation 2703865 (VCV002703865.3), dbSNP rs2138663582, ClinGen allele CA387389736.